The following is an entry in ClinVar:

NM_001080512.3(BICC1):c.2373T>C (p.Tyr791=)

Genes: BICC1 (BicC family RNA binding protein 1; plus strand), LOC126860938 (MED14-independent group 3 enhancer GRCh37_chr10:60566642-60567841; plus strand). Cytogenetic location: 10q21.1.
Variant type: single nucleotide variant.
Coding change: c.2373T>C on transcript NM_001080512.3 (MANE Select); coding-DNA position 2373, T replaced by C.
Protein change: p.Tyr791=; no amino-acid change (tyrosine 791 retained).
Molecular consequence: synonymous variant.
Genome position (GRCh38, 1-based): chr10:58,807,155, T>C. VCF-style: chr10-58807155-T-C. GRCh37 (hg19) VCF-style: chr10-60566915-T-C.
Identifiers: ClinVar variation 2181279 (VCV002181279.28), dbSNP rs776194730, ClinGen allele CA5508771.

ClinVar aggregate classification (germline): Likely benign. Review status: criteria provided, multiple submitters, no conflicts (2 of 4 stars). 2 submissions from 2 submitters: Likely benign (2). Last evaluated 2024-04-29.

Allele frequency attached by ClinVar (database versions not stated): TOPMed 0.00001; gnomAD exomes 0.00002; ExAC 0.00005.
gnomAD v4.1: 29 of 1,613,424 alleles (0.0018%); highest among the groups gnomAD compares: South Asian, 0.0088%; no homozygotes.

Submissions (2):

Labcorp Genetics (formerly Invitae), Labcorp
Classification: Likely benign. Last evaluated: 2024-04-29. Review status: criteria provided, single submitter. Criteria: Invitae Variant Classification Sherloc (09022015). Collection method: clinical testing. Allele origin: germline.

CeGaT Center for Human Genetics Tuebingen
Classification: Likely benign. Last evaluated: 2022-06-01. Review status: criteria provided, single submitter. Criteria: CeGaT Center For Human Genetics Tuebingen Variant Classification Criteria Version 2. Collection method: clinical testing. Allele origin: germline. Affected: yes. Observed: 1 variant allele.
Comment: BICC1: BP4, BP7